The following is an entry in ClinVar:

ClinVar aggregate classification (germline): Uncertain significance. Review status: criteria provided, single submitter (1 of 4 stars). 2 submissions from 2 submitters: Uncertain significance (1). 1 of the submissions does not count toward it. Last evaluated 2023-04-01.

Conditions:
LRIG2-related disorder. Also called: LRIG2-related condition.

Allele frequency attached by ClinVar (database versions not stated): 1000 Genomes Project 30x 0.00016; 1000 Genomes Project 0.00020; gnomAD 0.00034; gnomAD exomes 0.00037; TOPMed 0.00041; ESP Exome Variant Server 0.00062; ExAC 0.00066.
gnomAD v4.1: 656 of 1,614,166 alleles (0.041%); highest among the groups gnomAD compares: Non-Finnish European, 0.0095%; 6 homozygotes.

Submissions (2):

CeGaT Center for Human Genetics Tuebingen
Classification: Uncertain significance. Last evaluated: 2023-04-01. Review status: criteria provided, single submitter. Criteria: CeGaT Center For Human Genetics Tuebingen Variant Classification Criteria Version 2. Collection method: clinical testing. Allele origin: germline. Affected: yes. Observed: 1 variant allele.

PreventionGenetics, part of Exact Sciences
Classification: Likely benign for LRIG2-related condition. Last evaluated: 2021-03-09. Review status: no assertion criteria provided. Collection method: clinical testing. Allele origin: germline. Not counted in ClinVar's aggregate classification.
Comment: This variant is classified as likely benign based on ACMG/AMP sequence variant interpretation guidelines (Richards et al. 2015 PMID: 25741868, with internal and published modifications).

NM_014813.3(LRIG2):c.1649G>A (p.Arg550His)

Gene: LRIG2 (leucine rich repeats and immunoglobulin like domains 2; plus strand). Cytogenetic location: 1p13.2.
Variant type: single nucleotide variant.
Coding change: c.1649G>A on transcript NM_014813.3 (MANE Select); coding-DNA position 1649, G replaced by A.
Protein change: p.Arg550His; replaces arginine 550 with histidine.
Molecular consequence: missense variant.
Genome position (GRCh38, 1-based): chr1:113,110,413, G>A. VCF-style: chr1-113110413-G-A. GRCh37 (hg19) VCF-style: chr1-113653035-G-A.
Other names: c.1649G>A (NM_014813.2); c.1340G>A, p.Arg447His (NM_001312686.2); short protein forms R447H, R550H.
Identifiers: ClinVar variation 2638999 (VCV002638999.25), dbSNP rs137984555, ClinGen allele CA1012049.